The following is an entry in ClinVar:

NM_033056.4(PCDH15):c.5709A>G (p.Ile1903Met)

Gene: PCDH15 (protocadherin related 15; minus strand). Cytogenetic location: 10q21.1.
Variant type: single nucleotide variant.
Coding change: c.5709A>G on transcript NM_033056.4 (MANE Plus Clinical); coding-DNA position 5709, A replaced by G.
Protein change: p.Ile1903Met; replaces isoleucine 1903 with methionine.
Molecular consequence: missense variant. On other transcripts: intron variant (8).
Genome position (GRCh38, 1-based): chr10:53,822,017, T>C on the plus strand (A>G on the coding strand, the complement: PCDH15 is on the minus strand). VCF-style: chr10-53822017-T-C. GRCh37 (hg19) VCF-style: chr10-55581777-T-C.
Other names: c.5502A>G, p.Ile1834Met (NM_001142765.2); c.5700A>G, p.Ile1900Met (NM_001142766.2); c.5589A>G, p.Ile1863Met (NM_001142767.2); c.5649A>G, p.Ile1883Met (NM_001142768.2); c.5640A>G, p.Ile1880Met (NM_001142773.2); c.5643A>G, p.Ile1881Met (NM_001354404.2); c.4367+5376A>G (NM_001354420.2); c.4368-4004A>G (NM_001354429.2); and 7 more; short protein forms I1900M, I1903M, I1905M, I1910M, I1834M, I1883M, I1863M, I1880M.
Identifiers: ClinVar variation 1390661 (VCV001390661.4), dbSNP rs747899393, ClinGen allele CA5504980.

ClinVar aggregate classification (germline): Uncertain significance. Review status: criteria provided, multiple submitters, no conflicts (2 of 4 stars). 2 submissions from 2 submitters: Uncertain significance (2). Last evaluated 2026-04-07.

Conditions:
PCDH15-related disorder. Also called: PCDH15-related disorders; PCDH15-related condition.

Allele frequency attached by ClinVar (database versions not stated): gnomAD exomes 0.00001 and 0.00002; ExAC 0.00002.
gnomAD v4.1: 5 of 1,614,052 alleles (0.00031%); highest among the groups gnomAD compares: Admixed American, 0.005%; no homozygotes.

Submissions (2):

PreventionGenetics, part of Exact Sciences
Classification: Uncertain significance for PCDH15-related condition. Last evaluated: 2026-04-07. Review status: criteria provided, single submitter. Criteria: ACMG Guidelines, 2015. Collection method: clinical testing. Allele origin: germline.
Comment: The PCDH15 c.5709A>G variant is predicted to result in the amino acid substitution p.Ile1903Met. Note that this variant is located in exon 33 of the NM_033056 transcript; this exon is not required for proper inner ear hair cell function and maintenance of hearing and is not included in the biologically relevant transcript for hearing loss known as CD2 (NM_001142769; Webb et al. 2011. PubMed ID: 21427143; Pepermans et al. 2014. PubMed ID: 24940003). To our knowledge, this variant has not been reported in the literature. This variant is reported in 0.0087% of alleles in individuals of Latino descent in gnomAD. Although we suspect that this variant may be benign, the clinical significance of this variant is currently classified as uncertain due to the absence of conclusive functional and genetic evidence.

Labcorp Genetics (formerly Invitae), Labcorp
Classification: Uncertain significance. Last evaluated: 2022-07-29. Review status: criteria provided, single submitter. Criteria: Invitae Variant Classification Sherloc (09022015). Collection method: clinical testing. Allele origin: germline.
Comment: This sequence change replaces isoleucine, which is neutral and non-polar, with methionine, which is neutral and non-polar, at codon 1903 of the PCDH15 protein (p.Ile1903Met). This variant is present in population databases (rs747899393, gnomAD 0.009%). This variant has not been reported in the literature in individuals affected with PCDH15-related conditions. ClinVar contains an entry for this variant (Variation ID: 1390661). Algorithms developed to predict the effect of missense changes on protein structure and function are either unavailable or do not agree on the potential impact of this missense change (SIFT: "Tolerated"; PolyPhen-2: "Not Available"; Align-GVGD: "Class C0"). In summary, the available evidence is currently insufficient to determine the role of this variant in disease. Therefore, it has been classified as a Variant of Uncertain Significance.